The following is an entry in ClinVar:

NM_001206927.2(DNAH8):c.3772C>T (p.His1258Tyr)

Gene: DNAH8 (dynein axonemal heavy chain 8; plus strand). Cytogenetic location: 6p21.2.
Variant type: single nucleotide variant.
Coding change: c.3772C>T on transcript NM_001206927.2 (MANE Select); coding-DNA position 3772, C replaced by T.
Protein change: p.His1258Tyr; replaces histidine 1258 with tyrosine.
Molecular consequence: missense variant.
Genome position (GRCh38, 1-based): chr6:38,823,613, C>T. VCF-style: chr6-38823613-C-T. GRCh37 (hg19) VCF-style: chr6-38791389-C-T.
Other names: c.3121C>T, p.His1041Tyr (NM_001371.4); short protein forms H1041Y, H1258Y.
Identifiers: ClinVar variation 658541 (VCV000658541.9), dbSNP rs1258463187, ClinGen allele CA363992755.
Genomic context (GRCh38, chr6:38,823,613, plus strand): 5'-TTACCACAGGAATTTTTGGCTAACAACCCCTCTCTGACTGAAATCAGATCAGAAATTCTA[C>T]ACTATGCTACTTTTGAACAGGAGATTGATGAGTTGAAGCCTATTATTGTTGTAGGAGCAC-3'
Protein context (NP_001193856.1, residues 1248-1268): SLTEIRSEIL[His1258Tyr]YATFEQEIDE

ClinVar aggregate classification (germline): Uncertain significance (1 of 4 stars; one submission).

Conditions:
Primary ciliary dyskinesia. Also called: Ciliary dyskinesia. Identifiers: Orphanet 244, MedGen C0008780, MONDO:0016575, HP:0012265.

Allele frequency attached by ClinVar (database versions not stated): gnomAD exomes below 0.00001; TOPMed below 0.00001; gnomAD 0.00001.

Submission:

Labcorp Genetics (formerly Invitae), Labcorp
Classification: Uncertain significance for Primary ciliary dyskinesia. Last evaluated: 2018-12-26. Review status: criteria provided, single submitter. Criteria: Invitae Variant Classification Sherloc (09022015). Collection method: clinical testing. Allele origin: germline.
Comment: This variant is not present in population databases (ExAC no frequency). In summary, the available evidence is currently insufficient to determine the role of this variant in disease. Therefore, it has been classified as a Variant of Uncertain Significance. Algorithms developed to predict the effect of missense changes on protein structure and function output the following: SIFT: "Tolerated"; PolyPhen-2: "Not Available"; Align-GVGD: "Class C0". The tyrosine amino acid residue is found in multiple mammalian species, suggesting that this missense change does not adversely affect protein function. These predictions have not been confirmed by published functional studies and their clinical significance is uncertain. This variant has not been reported in the literature in individuals with DNAH8-related conditions. This sequence change replaces histidine with tyrosine at codon 1258 of the DNAH8 protein (p.His1258Tyr). The histidine residue is moderately conserved and there is a moderate physicochemical difference between histidine and tyrosine.